The following is an entry in ClinVar:

ClinVar aggregate classification (germline): Uncertain significance (0 of 4 stars; one submission).

Conditions:
TTN-related disorder. Also called: TTN-related disorders; TTN-related condition; TTN-related disease.

gnomAD v4.1: 3 of 1,613,262 alleles (0.00019%); highest among the groups gnomAD compares: African/African-American, 0.004%; no homozygotes.

Submission:

PreventionGenetics, part of Exact Sciences
Classification: Uncertain significance for TTN-related condition. Last evaluated: 2024-06-06. Review status: no assertion criteria provided. Collection method: clinical testing. Allele origin: germline.
Comment: The TTN c.68711C>T variant is predicted to result in the amino acid substitution p.Thr22904Ile. To our knowledge, this variant has not been reported in the literature. This variant is reported in 0.013% of alleles in individuals of African descent in gnomAD. At this time, the clinical significance of this variant is uncertain due to the absence of conclusive functional and genetic evidence.

NM_001267550.2(TTN):c.68711C>T (p.Thr22904Ile)

Genes: TTN (titin; minus strand), TTN-AS1 (TTN antisense RNA 1; plus strand). Cytogenetic location: 2q31.2.
Variant type: single nucleotide variant.
Coding change: c.68711C>T on transcript NM_001267550.2 (MANE Select); coding-DNA position 68711, C replaced by T.
Protein change: p.Thr22904Ile; replaces threonine 22904 with isoleucine.
Molecular consequence: missense variant.
Genome position (GRCh38, 1-based): chr2:178,577,715, G>A on the plus strand (C>T on the coding strand, the complement: TTN is on the minus strand). VCF-style: chr2-178577715-G-A. GRCh37 (hg19) VCF-style: chr2-179442442-G-A.
Other names: c.63788C>T, p.Thr21263Ile (NM_001256850.1); c.41516C>T, p.Thr13839Ile (NM_003319.4); c.61007C>T, p.Thr20336Ile (NM_133378.4); c.41891C>T, p.Thr13964Ile (NM_133432.3); c.42092C>T, p.Thr14031Ile (NM_133437.4); short protein forms T13839I, T13964I, T14031I, T20336I, T21263I, T22904I.
Identifiers: ClinVar variation 3347081 (VCV003347081.1).